The following is an entry in ClinVar:

NM_001018115.3(FANCD2):c.206-2A>T

Genes: FANCD2 (FA complementation group D2; plus strand), LOC107303338 (3p25 FANCD2 Alu-mediated recombination region; plus strand). Cytogenetic location: 3p25.3.
Variant type: single nucleotide variant.
Coding change: c.206-2A>T on transcript NM_001018115.3 (MANE Select); the canonical splice acceptor site of the intron before coding-DNA position 206, A replaced by T.
Molecular consequence: splice acceptor variant.
Genome position (GRCh38, 1-based): chr3:10,034,467, A>T. VCF-style: chr3-10034467-A-T. GRCh37 (hg19) VCF-style: chr3-10076151-A-T.
Other names: c.206-2A>T (NM_001319984.2, NM_001374253.1, NM_033084.6 and 2 more transcripts).
Identifiers: ClinVar variation 929641 (VCV000929641.1), dbSNP rs771573600, ClinGen allele CA2249148.

ClinVar aggregate classification (germline): Pathogenic (0 of 4 stars; one submission).

Conditions:
Fanconi anemia complementation group D2. Also called: FANCD2-Related Fanconi Anemia; FANCONI PANCYTOPENIA, TYPE 4; FANCONI ANEMIA, COMPLEMENTATION GROUP D. Identifiers: Orphanet 84, MedGen C3160738, MONDO:0009214, OMIM 227646.

Allele frequency attached by ClinVar (database versions not stated): gnomAD exomes below 0.00001; ExAC 0.00001.
gnomAD v4.1: 3 of 1,610,820 alleles (0.00019%); highest among the groups gnomAD compares: Non-Finnish European, 0.00025%; no homozygotes.

Submission:

Leiden Open Variation Database
Classification: Pathogenic for Fanconi anemia complementation group D2. Last evaluated: 2020-02-28. Review status: no assertion criteria provided. Collection method: curation. Allele origin: germline. Affected: yes.
Comment: Curator: Arleen D. Auerbach. Submitter to LOVD: Arleen D. Auerbach.

Literature cited by the submitters: PubMed 17436244.